The following is an entry in ClinVar:

ClinVar aggregate classification (germline): Uncertain significance (1 of 4 stars; one submission).

Conditions:
RASopathy. Also called: Noonan spectrum disorder; rasopathies. Identifiers: Orphanet 536391, MedGen C5555857, MONDO:0021060.

Submission:

Labcorp Genetics (formerly Invitae), Labcorp
Classification: Uncertain significance for RASopathy. Last evaluated: 2022-06-28. Review status: criteria provided, single submitter. Criteria: Invitae Variant Classification Sherloc (09022015). Collection method: clinical testing. Allele origin: germline.
Comment: A copy number gain of the genomic region encompassing the full coding sequence of the BRAF gene has been identified. The boundaries of this event are unknown as they extend beyond the assayed region for this gene and therefore may encompass additional genes. As the precise location of this event is unknown, it may be in tandem or it may be located elsewhere in the genome. This variant has not been reported in the literature in individuals affected with BRAF-related conditions. In summary, the available evidence is currently insufficient to determine the role of this variant in disease. Therefore, it has been classified as a Variant of Uncertain Significance.

NC_000007.13:g.(?_140434397)_(140624503_?)dup

Gene: BRAF (B-Raf proto-oncogene, serine/threonine kinase; minus strand). Cytogenetic location: 7q34.
Variant type: Duplication.
Identifiers: ClinVar variation 1443843 (VCV001443843.4).